The following is an entry in ClinVar:

NM_004360.5(CDH1):c.993T>C (p.Thr331=)

Gene: CDH1 (cadherin 1; plus strand). Cytogenetic location: 16q22.1.
Variant type: single nucleotide variant.
Coding change: c.993T>C on transcript NM_004360.5 (MANE Select); coding-DNA position 993, T replaced by C.
Protein change: p.Thr331=; no amino-acid change (threonine 331 retained).
Molecular consequence: synonymous variant. On other transcripts: 5 prime UTR variant (2).
Genome position (GRCh38, 1-based): chr16:68,811,844, T>C. VCF-style: chr16-68811844-T-C. GRCh37 (hg19) VCF-style: chr16-68845747-T-C.
Other names: c.993T>C, p.Thr331= (NM_001317184.2); c.-623T>C (NM_001317185.2); c.-827T>C (NM_001317186.2).
Identifiers: ClinVar variation 3378769 (VCV003378769.2).
Genomic context (GRCh38, chr16:68,811,844, plus strand): 5'-CCCTGACAAAAATATGTTCACCATTAACAGGAACACAGGAGTCATCAGTGTGGTCACCAC[T>C]GGGCTGGACCGAGAGGTCAGGGGTCAGGAGGATCCAGAGGGTGTGGAGGACAAATGTGTA-3'
Protein context (NP_004351.1, residues 321-341): RNTGVISVVT[Thr331=]GLDRESFPTY

ClinVar aggregate classification (germline): Benign/Likely benign. Review status: criteria provided, multiple submitters, no conflicts (2 of 4 stars). 2 submissions from 2 submitters: Benign (1); Likely benign (1). Last evaluated 2026-02-08.

Conditions:
Hereditary diffuse gastric adenocarcinoma (HDGC). Also called: DIFFUSE GASTRIC AND LOBULAR BREAST CANCER SYNDROME. Identifiers: Orphanet 26106, MedGen C1708349, MONDO:0007648, OMIM 137215.
Hereditary cancer-predisposing syndrome. Also called: Hereditary neoplastic syndrome; Tumor predisposition; Neoplastic Syndromes, Hereditary; Hereditary Cancer Syndrome. Identifiers: Orphanet 140162, MedGen C0027672, MeSH D009386, MONDO:0015356.

gnomAD v4.1: 2 of 1,614,084 alleles (0.00012%); highest among the groups gnomAD compares: African/African-American, 0.0013%; no homozygotes.

Submissions (2):

Ambry Genetics
Classification: Likely benign for Hereditary cancer-predisposing syndrome. Last evaluated: 2026-02-08. Review status: criteria provided, single submitter. Criteria: Ambry Variant Classification Scheme 2023. Collection method: clinical testing. Allele origin: germline.

Myriad Genetics, Inc.
Classification: Benign for Hereditary diffuse gastric adenocarcinoma. Last evaluated: 2024-09-17. Review status: criteria provided, single submitter. Criteria: Myriad Autosomal Dominant, Autosomal Recessive and X-Linked Classification Criteria (2023). Collection method: clinical testing. Allele origin: unknown.
Comment: This variant is considered benign. This variant is a silent/synonymous amino acid change and it is not expected to impact splicing.